The following is an entry in ClinVar:

NM_005359.6(SMAD4):c.718A>T (p.Ile240Leu)

Gene: SMAD4 (SMAD family member 4; plus strand). Cytogenetic location: 18q21.2.
Variant type: single nucleotide variant.
Coding change: c.718A>T on transcript NM_005359.6 (MANE Select); coding-DNA position 718, A replaced by T.
Protein change: p.Ile240Leu; replaces isoleucine 240 with leucine.
Molecular consequence: missense variant.
Genome position (GRCh38, 1-based): chr18:51,058,175, A>T. VCF-style: chr18-51058175-A-T. GRCh37 (hg19) VCF-style: chr18-48584545-A-T.
Other names: c.718A>T, p.Ile240Leu (NM_001407041.1, NM_001407042.1, NM_001407043.1); short protein forms I240L.
Identifiers: ClinVar variation 1757578 (VCV001757578.5), dbSNP rs1909892677, ClinGen allele CA402462797.

ClinVar aggregate classification (germline): Uncertain significance. Review status: criteria provided, multiple submitters, no conflicts (2 of 4 stars). 2 submissions from 2 submitters: Uncertain significance (2). Last evaluated 2023-03-04.

Conditions:
Juvenile polyposis syndrome (JPS). Identifiers: Orphanet 2929, MedGen C0345893, MONDO:0017380, OMIM 174900.
Familial thoracic aortic aneurysm and aortic dissection (TAAD). Also called: Thoracic aortic aneurysms and dissections. Identifiers: Orphanet 91387, MedGen C4707243, MONDO:0019625.
Hereditary cancer-predisposing syndrome. Also called: Neoplastic Syndromes, Hereditary; Tumor predisposition; Hereditary neoplastic syndrome; Hereditary Cancer Syndrome. Identifiers: Orphanet 140162, MedGen C0027672, MeSH D009386, MONDO:0015356.

Allele frequency attached by ClinVar (database versions not stated): gnomAD exomes below 0.00001.
gnomAD v4.1: 1 of 1,614,144 alleles (0.000062%); no homozygotes.

Submissions (2):

Labcorp Genetics (formerly Invitae), Labcorp
Classification: Uncertain significance for Juvenile polyposis syndrome. Last evaluated: 2023-03-04. Review status: criteria provided, single submitter. Criteria: Invitae Variant Classification Sherloc (09022015). Collection method: clinical testing. Allele origin: germline.
Comment: In summary, the available evidence is currently insufficient to determine the role of this variant in disease. Therefore, it has been classified as a Variant of Uncertain Significance. Advanced modeling of protein sequence and biophysical properties (such as structural, functional, and spatial information, amino acid conservation, physicochemical variation, residue mobility, and thermodynamic stability) performed at Invitae indicates that this missense variant is not expected to disrupt SMAD4 protein function. ClinVar contains an entry for this variant (Variation ID: 1757578). This variant has not been reported in the literature in individuals affected with SMAD4-related conditions. This variant is not present in population databases (gnomAD no frequency). This sequence change replaces isoleucine, which is neutral and non-polar, with leucine, which is neutral and non-polar, at codon 240 of the SMAD4 protein (p.Ile240Leu).

Ambry Genetics
Classification: Uncertain significance for Hereditary cancer-predisposing syndrome; Familial thoracic aortic aneurysm and aortic dissection. Last evaluated: 2022-07-10. Review status: criteria provided, single submitter. Criteria: Ambry Variant Classification Scheme 2023. Collection method: clinical testing. Allele origin: germline.
Comment: The p.I240L variant (also known as c.718A>T), located in coding exon 5 of the SMAD4 gene, results from an A to T substitution at nucleotide position 718. The isoleucine at codon 240 is replaced by leucine, an amino acid with highly similar properties. This amino acid position is conserved. In addition, the in silico prediction for this alteration is inconclusive. Since supporting evidence is limited at this time, the clinical significance of this alteration remains unclear.